The following is an entry in ClinVar:

ClinVar aggregate classification (germline): Benign. Review status: criteria provided, multiple submitters, no conflicts (2 of 4 stars). 3 submissions from 3 submitters: Benign (3). Last evaluated 2026-01-12.

Allele frequency attached by ClinVar (database versions not stated): TOPMed 0.00591; gnomAD exomes 0.00735 and 0.00975; ExAC 0.00772; ESP Exome Variant Server 0.00661; gnomAD 0.00742 and 0.00728; 1000 Genomes Project 30x 0.00141; 1000 Genomes Project 0.00160.

Submissions (3):

Labcorp Genetics (formerly Invitae), Labcorp
Classification: Benign. Last evaluated: 2026-01-12. Review status: criteria provided, single submitter. Criteria: Invitae Variant Classification Sherloc (09022015). Collection method: clinical testing. Allele origin: germline.

GeneDx
Classification: Benign. Last evaluated: 2013-09-06. Review status: criteria provided, single submitter. Criteria: GeneDx Variant Classification (06012015). Collection method: clinical testing. Allele origin: germline. Affected: yes.
Comment: This variant is considered likely benign or benign based on one or more of the following criteria: it is a conservative change, it occurs at a poorly conserved position in the protein, it is predicted to be benign by multiple in silico algorithms, and/or has population frequency not consistent with disease.

Breakthrough Genomics
Classification: Benign. Review status: criteria provided, single submitter. Criteria: ACMG Guidelines, 2015. Collection method: not provided. Allele origin: germline. Inheritance: Autosomal recessive inheritance. Affected: yes.

NM_032380.5(GFM2):c.1726+14C>T

Gene: GFM2 (GTP dependent ribosome recycling factor mitochondrial GFM2; minus strand). Cytogenetic location: 5q13.3.
Variant type: single nucleotide variant.
Coding change: c.1726+14C>T on transcript NM_032380.5 (MANE Select); 14 bases into the intron after coding-DNA position 1726, C replaced by T.
Molecular consequence: intron variant.
Genome position (GRCh38, 1-based): chr5:74,730,246, G>A on the plus strand (C>T on the coding strand, the complement: GFM2 is on the minus strand). VCF-style: chr5-74730246-G-A. GRCh37 (hg19) VCF-style: chr5-74026071-G-A.
Other names: c.1585+14C>T (NM_170691.3); c.1822+14C>T (NM_001281302.2).
Identifiers: ClinVar variation 137477 (VCV000137477.10), dbSNP rs149505551, ClinGen allele CA291082.